The following is an entry in ClinVar:

ClinVar aggregate classification (germline): Conflicting classifications of pathogenicity. Review status: criteria provided, conflicting classifications (1 of 4 stars). 2 submissions from 2 submitters: Uncertain significance (1); Likely benign (1). Last evaluated 2026-09-01.

Allele frequency attached by ClinVar (database versions not stated): ExAC 0.00010; ESP Exome Variant Server 0.00025; gnomAD 0.00034; TOPMed 0.00036; 1000 Genomes Project 0.00040; 1000 Genomes Project 30x 0.00047.
gnomAD v4.1: 116 of 1,576,244 alleles (0.0074%); highest among the groups gnomAD compares: African/African-American, 0.13%; no homozygotes.

Submissions (2):

CeGaT Center for Human Genetics Tuebingen
Classification: Likely benign. Last evaluated: 2026-09-01. Review status: criteria provided, single submitter. Criteria: CeGaT Center For Human Genetics Tuebingen Variant Classification Criteria Version 2. Collection method: clinical testing. Allele origin: germline. Affected: yes. Observed: 1 variant allele.
Comment: ZFHX4: BP4, BS1

Ambry Genetics
Classification: Uncertain significance. Last evaluated: 2024-11-25. Review status: criteria provided, single submitter. Criteria: Ambry Variant Classification Scheme 2023. Collection method: clinical testing. Allele origin: germline.

NM_024721.5(ZFHX4):c.10183G>A (p.Val3395Ile)

Gene: ZFHX4 (zinc finger homeobox 4; plus strand). Cytogenetic location: 8q21.13.
Variant type: single nucleotide variant.
Coding change: c.10183G>A on transcript NM_024721.5 (MANE Select); coding-DNA position 10183, G replaced by A.
Protein change: p.Val3395Ile; replaces valine 3395 with isoleucine.
Molecular consequence: missense variant.
Genome position (GRCh38, 1-based): chr8:76,863,897, G>A. VCF-style: chr8-76863897-G-A. GRCh37 (hg19) VCF-style: chr8-77776133-G-A.
Other names: c.10105G>A, p.Val3369Ile (NM_001410934.1); short protein forms V3369I, V3395I.
Identifiers: ClinVar variation 2272762 (VCV002272762.4), dbSNP rs377598264, ClinGen allele CA4788500.